The following is an entry in ClinVar:

NM_001042492.3(NF1):c.7910G>T (p.Arg2637Leu)

Gene: NF1 (neurofibromin 1; plus strand). Cytogenetic location: 17q11.2.
Variant type: single nucleotide variant.
Coding change: c.7910G>T on transcript NM_001042492.3 (MANE Select); coding-DNA position 7910, G replaced by T.
Protein change: p.Arg2637Leu; replaces arginine 2637 with leucine.
Molecular consequence: missense variant.
Genome position (GRCh38, 1-based): chr17:31,357,309, G>T. VCF-style: chr17-31357309-G-T. GRCh37 (hg19) VCF-style: chr17-29684327-G-T.
Other names: c.7847G>T, p.Arg2616Leu (NM_000267.4); short protein forms R2616L, R2637L.
Identifiers: ClinVar variation 847496 (VCV000847496.10), dbSNP rs560262404, ClinGen allele CA399203440.
Genomic context (GRCh38, chr17:31,357,309, plus strand): 5'-ACTTTTTTGCATCTTGGCAGGCTACACTGGTAAAATATACCACAGATGAGTTTGATCAAC[G>T]AATTCTTTATGAATACTTAGCAGAGGCCAGTGTTGTGTTTCCCAAAGTCTTTCCTGTTGT-3'
Protein context (NP_001035957.1, residues 2627-2647): VKYTTDEFDQ[Arg2637Leu]ILYEYLAEAS

ClinVar aggregate classification (germline): Conflicting classifications of pathogenicity. Review status: criteria provided, conflicting classifications (1 of 4 stars). 2 submissions from 2 submitters: Uncertain significance (1); Likely benign (1). Last evaluated 2025-11-02.

Conditions:
Cardiovascular phenotype. Identifiers: MedGen CN230736.
Hereditary cancer-predisposing syndrome. Also called: Neoplastic Syndromes, Hereditary; Hereditary Cancer Syndrome; Hereditary neoplastic syndrome; Tumor predisposition. Identifiers: Orphanet 140162, MedGen C0027672, MeSH D009386, MONDO:0015356.
Neurofibromatosis, type 1 (NF1). Also called: Neurofibromatosis, type I; VON RECKLINGHAUSEN DISEASE; Peripheral type neurofibromatosis; NEUROFIBROMATOSIS, TYPE I, SOMATIC. Identifiers: Orphanet 636, MedGen C0027831, MONDO:0018975, OMIM 162200. Disease mechanism: loss of function.

Allele frequency attached by ClinVar (database versions not stated): TOPMed 0.00001.
gnomAD v4.1: 1 of 1,613,844 alleles (0.000062%); highest among the groups gnomAD compares: African/African-American, 0.0013%; no homozygotes.

Submissions (2):

Labcorp Genetics (formerly Invitae), Labcorp
Classification: Likely benign for Neurofibromatosis, type 1. Last evaluated: 2025-11-02. Review status: criteria provided, single submitter. Criteria: Invitae Variant Classification Sherloc (09022015). Collection method: clinical testing. Allele origin: germline.

Ambry Genetics
Classification: Uncertain significance for Cardiovascular phenotype; Hereditary cancer-predisposing syndrome. Last evaluated: 2024-08-12. Review status: criteria provided, single submitter. Criteria: Ambry Variant Classification Scheme 2023. Collection method: clinical testing. Allele origin: germline.
Comment: The p.R2616L variant (also known as c.7847G>T), located in coding exon 53 of the NF1 gene, results from a G to T substitution at nucleotide position 7847. The arginine at codon 2616 is replaced by leucine, an amino acid with dissimilar properties. This amino acid position is highly conserved in available vertebrate species. In addition, the in silico prediction for this alteration is inconclusive. Since supporting evidence is limited at this time, the clinical significance of this alteration remains unclear.